The following is an entry in ClinVar:

NM_001903.5(CTNNA1):c.1259C>T (p.Ala420Val)

Gene: CTNNA1 (catenin alpha 1; plus strand). Cytogenetic location: 5q31.2.
Variant type: single nucleotide variant.
Coding change: c.1259C>T on transcript NM_001903.5 (MANE Select); coding-DNA position 1259, C replaced by T.
Protein change: p.Ala420Val; replaces alanine 420 with valine.
Molecular consequence: missense variant. On other transcripts: 5 prime UTR variant (5), intron variant (2).
Genome position (GRCh38, 1-based): chr5:138,887,605, C>T. VCF-style: chr5-138887605-C-T. GRCh37 (hg19) VCF-style: chr5-138223294-C-T.
Other names: c.1259C>T, p.Ala420Val (NM_001290307.3, NM_001323984.2, NM_001323985.2 and 3 more transcripts); c.950C>T, p.Ala317Val (NM_001290309.3); c.890C>T, p.Ala297Val (NM_001290310.3); c.149C>T, p.Ala50Val (NM_001290312.1, NM_001323989.1, NM_001323987.1 and 18 more transcripts); c.-249C>T (NM_001324006.1, NM_001324007.1, NM_001324008.1 and 1 more transcripts); c.-124C>T (NM_001324013.1); c.-58+12008C>T (NM_001324012.1); c.-61+12008C>T (NM_001324010.1); short protein forms A420V, A317V, A50V, A297V.
Identifiers: ClinVar variation 4007987 (VCV004007987.1).
Genomic context (GRCh38, chr5:138,887,605, plus strand): 5'-CACTTTTGGTATTGATTGAAGCTGCAAAGAATGGAAATGAGAAAGAAGTTAAGGAGTATG[C>T]CCAAGTTTTCCGTGAACATGCCAACAAATTGATTGAGGTAAGTGAATTAGCAGTTTCATT-3'
Protein context (NP_001894.2, residues 410-430): NGNEKEVKEY[Ala420Val]QVFREHANKL

ClinVar aggregate classification (germline): Uncertain significance (1 of 4 stars; one submission).

Conditions:
Hereditary cancer-predisposing syndrome. Also called: Tumor predisposition; Hereditary neoplastic syndrome; Neoplastic Syndromes, Hereditary; Hereditary Cancer Syndrome. Identifiers: Orphanet 140162, MedGen C0027672, MeSH D009386, MONDO:0015356.

Submission:

Ambry Genetics
Classification: Uncertain significance for Hereditary cancer-predisposing syndrome. Last evaluated: 2025-04-25. Review status: criteria provided, single submitter. Criteria: Ambry Variant Classification Scheme 2023. Collection method: clinical testing. Allele origin: germline.
Comment: The p.A420V variant (also known as c.1259C>T), located in coding exon 8 of the CTNNA1 gene, results from a C to T substitution at nucleotide position 1259. The alanine at codon 420 is replaced by valine, an amino acid with similar properties. This amino acid position is conserved. In addition, the in silico prediction for this alteration is inconclusive. Based on the available evidence, the clinical significance of this variant remains unclear.